The following is an entry in ClinVar:

ClinVar aggregate classification (germline): Uncertain significance (1 of 4 stars; one submission).

Allele frequency attached by ClinVar (database versions not stated): TOPMed below 0.00001.

Submission:

Labcorp Genetics (formerly Invitae), Labcorp
Classification: Uncertain significance. Last evaluated: 2021-06-16. Review status: criteria provided, single submitter. Criteria: Invitae Variant Classification Sherloc (09022015). Collection method: clinical testing. Allele origin: germline.
Comment: This sequence change replaces asparagine with lysine at codon 254 of the ERBIN protein (p.Asn254Lys). The asparagine residue is moderately conserved and there is a moderate physicochemical difference between asparagine and lysine. This variant is not present in population databases (ExAC no frequency). This variant has not been reported in the literature in individuals with ERBIN-related conditions. Algorithms developed to predict the effect of missense changes on protein structure and function are either unavailable or do not agree on the potential impact of this missense change (SIFT: "Deleterious"; PolyPhen-2: "Benign"; Align-GVGD: "Class C25"). In summary, the available evidence is currently insufficient to determine the role of this variant in disease. Therefore, it has been classified as a Variant of Uncertain Significance.

NM_001253697.2(ERBIN):c.762C>G (p.Asn254Lys)

Gene: ERBIN (erbb2 interacting protein; plus strand). Cytogenetic location: 5q12.3.
Variant type: single nucleotide variant.
Coding change: c.762C>G on transcript NM_001253697.2 (MANE Select); coding-DNA position 762, C replaced by G.
Protein change: p.Asn254Lys; replaces asparagine 254 with lysine.
Molecular consequence: missense variant.
Genome position (GRCh38, 1-based): chr5:66,024,395, C>G. VCF-style: chr5-66024395-C-G. GRCh37 (hg19) VCF-style: chr5-65320223-C-G.
Other names: c.762C>G, p.Asn254Lys (NM_001006600.3, NM_001253698.2, NM_001253699.2 and 2 more transcripts); short protein forms N254K.
Identifiers: ClinVar variation 1510094 (VCV001510094.8), dbSNP rs1756015418, ClinGen allele CA359974864.